The following is an entry in ClinVar:

NM_001042681.2(RERE):c.3546_3551del (p.1182RE[1])

Gene: RERE (arginine-glutamic acid dipeptide repeats; minus strand). Cytogenetic location: 1p36.23.
Variant type: Deletion.
Coding change: c.3546_3551del on transcript NM_001042681.2 (MANE Select); coding-DNA positions 3546 to 3551, 6 bases deleted (AGAGCG; older notation c.3546_3551delAGAGCG).
Protein change: p.1182RE[1].
Molecular consequence: inframe deletion.
Genome position (GRCh38, 1-based): chr1:8,359,831-8,359,836, CGCTCT deleted on the plus strand (AGAGCG on the coding strand, the reverse complement: RERE is on the minus strand); deleting any 6 consecutive bases within chr1:8,359,831-8,359,841 gives the same sequence; the c. name uses the placement nearest the transcript's 3' end. VCF-style (leftmost placement, unchanged base first): chr1-8359830-CCGCTCT-C. GRCh37 (hg19) VCF-style: chr1-8419890-CCGCTCT-C.
Other names: c.1884_1889del, p.628RE[1] (NM_001042682.2); c.3546_3551del, p.1182RE[1] (NM_012102.4).
Identifiers: ClinVar variation 3613508 (VCV003613508.2).

ClinVar aggregate classification (germline): Uncertain significance (1 of 4 stars; one submission).

Submission:

Labcorp Genetics (formerly Invitae), Labcorp
Classification: Uncertain significance. Last evaluated: 2024-03-17. Review status: criteria provided, single submitter. Criteria: Invitae Variant Classification Sherloc (09022015). Collection method: clinical testing. Allele origin: germline.
Comment: This variant, c.3546_3551del, results in the deletion of 2 amino acid(s) of the RERE protein (p.Arg1184_Glu1185del), but otherwise preserves the integrity of the reading frame. The frequency data for this variant in the population databases is considered unreliable, as metrics indicate poor data quality at this position in the gnomAD database. This variant has not been reported in the literature in individuals affected with RERE-related conditions. Experimental studies and prediction algorithms are not available or were not evaluated, and the functional significance of this variant is currently unknown. In summary, the available evidence is currently insufficient to determine the role of this variant in disease. Therefore, it has been classified as a Variant of Uncertain Significance.